The following is an entry in ClinVar:

NM_012232.6(CAVIN1):c.356T>A (p.Val119Asp)

Gene: CAVIN1 (caveolae associated protein 1; minus strand). Cytogenetic location: 17q21.2.
Variant type: single nucleotide variant.
Coding change: c.356T>A on transcript NM_012232.6 (MANE Select); coding-DNA position 356, T replaced by A.
Protein change: p.Val119Asp; replaces valine 119 with aspartic acid.
Molecular consequence: missense variant.
Genome position (GRCh38, 1-based): chr17:42,422,742, A>T on the plus strand (T>A on the coding strand, the complement: CAVIN1 is on the minus strand). VCF-style: chr17-42422742-A-T. GRCh37 (hg19) VCF-style: chr17-40574760-A-T.
Other names: p.Val119Asp; short protein forms V119D.
Identifiers: ClinVar variation 193361 (VCV000193361.61), dbSNP rs146547678, ClinGen allele CA238881.

ClinVar aggregate classification (germline): Conflicting classifications of pathogenicity. Review status: criteria provided, conflicting classifications (1 of 4 stars). 11 submissions from 11 submitters: Uncertain significance (2); Benign (1); Likely benign (5). 3 of the submissions do not count toward it. Last evaluated 2026-09-01.

Conditions:
CAVIN1-related disorder. Also called: CAVIN1-related condition.
Congenital generalized lipodystrophy type 4. Also called: BERARDINELLI-SEIP CONGENITAL LIPODYSTROPHY, TYPE 4, WITH MUSCULAR DYSTROPHY. Identifiers: Orphanet 228429, MedGen C2750069, MONDO:0013225, OMIM 613327.

Allele frequency attached by ClinVar (database versions not stated): 1000 Genomes Project 30x 0.00094; 1000 Genomes Project 0.00100; TOPMed 0.00189; gnomAD 0.00198 and 0.00201; gnomAD exomes 0.00205 and 0.00290; ESP Exome Variant Server 0.00269; ExAC 0.00278.
gnomAD v4.1: 4,515 of 1,611,682 alleles (0.28%); highest among the groups gnomAD compares: Non-Finnish European, 0.33%; 9 homozygotes.

Submissions (11):

CeGaT Center for Human Genetics Tuebingen
Classification: Likely benign. Last evaluated: 2026-09-01. Review status: criteria provided, single submitter. Criteria: CeGaT Center For Human Genetics Tuebingen Variant Classification Criteria Version 2. Collection method: clinical testing. Allele origin: germline. Affected: yes. Observed: 5 variant alleles.
Comment: CAVIN1: BS2

Labcorp Genetics (formerly Invitae), Labcorp
Classification: Likely benign. Last evaluated: 2026-01-26. Review status: criteria provided, single submitter. Criteria: Invitae Variant Classification Sherloc (09022015). Collection method: clinical testing. Allele origin: germline.

Mayo Clinic Laboratories, Mayo Clinic
Classification: Likely benign. Last evaluated: 2025-10-10. Review status: criteria provided, single submitter. Criteria: ACMG Guidelines, 2015. Collection method: clinical testing. Allele origin: germline. Observed: 7 variant alleles.
Comment: BS1

Athena Diagnostics
Classification: Benign. Last evaluated: 2025-03-26. Review status: criteria provided, single submitter. Criteria: Athena Diagnostics Criteria. Collection method: clinical testing. Allele origin: unknown.
Comment: The frequency of this variant in the general population is higher than would generally be expected for pathogenic variants in this gene. Computational tools predict this amino acid change may be benign.

Blueprint Genetics
Classification: Likely benign. Last evaluated: 2024-10-31. Review status: criteria provided, single submitter. Criteria: ACMG Guidelines, 2015. Collection method: clinical testing. Allele origin: germline.

Illumina Laboratory Services, Illumina
Classification: Likely benign for Congenital generalized lipodystrophy type 4. Last evaluated: 2018-01-13. Review status: criteria provided, single submitter. Criteria: ICSL Variant Classification Criteria 13 December 2019. Collection method: clinical testing. Allele origin: germline.
Comment: This variant was observed in the ICSL laboratory as part of a predisposition screen in an ostensibly healthy population. It had not been previously curated by ICSL or reported in the Human Gene Mutation Database (HGMD: prior to June 1st, 2018), and was therefore a candidate for classification through an automated scoring system. Utilizing variant allele frequency, disease prevalence and penetrance estimates, and inheritance mode, an automated score was calculated to assess if this variant is too frequent to cause the disease. Based on the score and internal cut-off values, a variant classified as likely benign is not then subjected to further curation. The score for this variant resulted in a classification of likely benign for this disease.

Eurofins Ntd Llc (ga)
Classification: Uncertain significance. Last evaluated: 2015-05-19. Review status: criteria provided, single submitter. Criteria: EGL Classification Definitions 2015. Collection method: clinical testing. Allele origin: germline. Observed: 1 variant allele, 1 heterozygote.

ARUP Laboratories, Molecular Genetics and Genomics, ARUP Laboratories
Classification: Uncertain significance for Congenital generalized lipodystrophy type 4. Review status: criteria provided, single submitter. Criteria: ARUP Molecular Germline Variant Investigation Process 2024. Collection method: clinical testing. Allele origin: germline.

PreventionGenetics, part of Exact Sciences
Classification: Likely benign for CAVIN1-related condition. Last evaluated: 2021-03-29. Review status: no assertion criteria provided. Collection method: clinical testing. Allele origin: germline. Not counted in ClinVar's aggregate classification.
Comment: This variant is classified as likely benign based on ACMG/AMP sequence variant interpretation guidelines (Richards et al. 2015 PMID: 25741868, with internal and published modifications).

Clinical Genetics DNA and cytogenetics Diagnostics Lab, Erasmus MC, Erasmus Medical Center
Classification: Uncertain significance. Review status: no assertion criteria provided. Collection method: clinical testing. Allele origin: germline. Affected: yes. Study: VKGL Data-share Consensus. Not counted in ClinVar's aggregate classification.

Diagnostic Laboratory, Department of Genetics, University Medical Center Groningen
Classification: Uncertain significance. Review status: no assertion criteria provided. Collection method: clinical testing. Allele origin: germline. Affected: yes. Study: VKGL Data-share Consensus. Not counted in ClinVar's aggregate classification.

Literature cited by the submitters: PubMed 32041611 (cited by Mayo Clinic Laboratories, Mayo Clinic); PubMed 38234231 (cited by Mayo Clinic Laboratories, Mayo Clinic and Athena Diagnostics).